The following is an entry in ClinVar:

NM_003737.4(DCHS1):c.3091C>G (p.Pro1031Ala)

Gene: DCHS1 (dachsous cadherin-related 1; minus strand). Cytogenetic location: 11p15.4.
Variant type: single nucleotide variant.
Coding change: c.3091C>G on transcript NM_003737.4 (MANE Select); coding-DNA position 3091, C replaced by G.
Protein change: p.Pro1031Ala; replaces proline 1031 with alanine.
Molecular consequence: missense variant.
Genome position (GRCh38, 1-based): chr11:6,632,421, G>C on the plus strand (C>G on the coding strand, the complement: DCHS1 is on the minus strand). VCF-style: chr11-6632421-G-C. GRCh37 (hg19) VCF-style: chr11-6653652-G-C.
Other names: short protein forms P1031A.
Identifiers: ClinVar variation 2785442 (VCV002785442.3), dbSNP rs2493829096, ClinGen allele CA379417331.

ClinVar aggregate classification (germline): Uncertain significance (1 of 4 stars; one submission).

Submission:

Labcorp Genetics (formerly Invitae), Labcorp
Classification: Uncertain significance. Last evaluated: 2025-06-12. Review status: criteria provided, single submitter. Criteria: Invitae Variant Classification Sherloc (09022015). Collection method: clinical testing. Allele origin: germline.
Comment: This sequence change replaces proline, which is neutral and non-polar, with alanine, which is neutral and non-polar, at codon 1031 of the DCHS1 protein (p.Pro1031Ala). This variant is not present in population databases (gnomAD no frequency). This variant has not been reported in the literature in individuals affected with DCHS1-related conditions. ClinVar contains an entry for this variant (Variation ID: 2785442). Invitae Evidence Modeling of protein sequence and biophysical properties (such as structural, functional, and spatial information, amino acid conservation, physicochemical variation, residue mobility, and thermodynamic stability) indicates that this missense variant is expected to disrupt DCHS1 protein function with a positive predictive value of 80%. In summary, the available evidence is currently insufficient to determine the role of this variant in disease. Therefore, it has been classified as a Variant of Uncertain Significance.